The following is an entry in ClinVar:

ClinVar aggregate classification (germline): Pathogenic (1 of 4 stars; one submission).

Conditions:
Duchenne muscular dystrophy (DMD). Also called: MUSCULAR DYSTROPHY, PSEUDOHYPERTROPHIC PROGRESSIVE, DUCHENNE TYPE; Duchenne Muscular Dystrophy (DMD). Identifiers: Orphanet 98896, MedGen C0013264, MONDO:0010679, OMIM 310200.

Submission:

Labcorp Genetics (formerly Invitae), Labcorp
Classification: Pathogenic for Duchenne muscular dystrophy. Last evaluated: 2024-02-16. Review status: criteria provided, single submitter. Criteria: Invitae Variant Classification Sherloc (09022015). Collection method: clinical testing. Allele origin: germline.
Comment: This sequence change affects an acceptor splice site in intron 2 of the DMD gene. It is expected to disrupt RNA splicing. Variants that disrupt the donor or acceptor splice site typically lead to a loss of protein function (PMID: 16199547), and loss-of-function variants in DMD are known to be pathogenic (PMID: 16770791, 25007885). This variant is not present in population databases (gnomAD no frequency). Disruption of this splice site has been observed in individuals with Becker/Duchenne muscular dystrophy (PMID: 15351422, 25972034). ClinVar contains an entry for this variant (Variation ID: 1072167). Algorithms developed to predict the effect of sequence changes on RNA splicing suggest that this variant may disrupt the consensus splice site. For these reasons, this variant has been classified as Pathogenic.

Literature cited by the submitters: PubMed 16199547; PubMed 16770791; PubMed 25007885; PubMed 15351422; PubMed 25972034.

NM_004006.3(DMD):c.94-2A>C

Gene: DMD (dystrophin; minus strand). Cytogenetic location: Xp21.1.
Variant type: single nucleotide variant.
Coding change: c.94-2A>C on transcript NM_004006.3 (MANE Select); the canonical splice acceptor site of the intron before coding-DNA position 94, A replaced by C.
Molecular consequence: splice acceptor variant.
Genome position (GRCh38, 1-based): chrX:32,849,822, T>G on the plus strand (A>C on the coding strand, the complement: DMD is on the minus strand). VCF-style: chrX-32849822-T-G. GRCh37 (hg19) VCF-style: chrX-32867939-T-G.
Other names: c.70-2A>C (NM_000109.4); c.82-2A>C (NM_004009.3); c.-276-2A>C (NM_004010.3).
Identifiers: ClinVar variation 1072167 (VCV001072167.7), dbSNP rs1603448428, ClinGen allele CA412675014.